The following is an entry in ClinVar:

ClinVar aggregate classification (germline): Uncertain significance. Review status: criteria provided, multiple submitters, no conflicts (2 of 4 stars). 3 submissions from 3 submitters: Uncertain significance (3). Last evaluated 2026-06-17.

Conditions:
Cardiovascular phenotype. Identifiers: MedGen CN230736.

Allele frequency attached by ClinVar (database versions not stated): gnomAD exomes 0.00001.

Submissions (3):

Ambry Genetics
Classification: Uncertain significance for Cardiovascular phenotype. Last evaluated: 2026-06-17. Review status: criteria provided, single submitter. Criteria: Ambry Variant Classification Scheme 2023. Collection method: clinical testing. Allele origin: germline.
Comment: The p.A1569V variant (also known as c.4706C>T), located in coding exon 27 of the FLNC gene, results from a C to T substitution at nucleotide position 4706. The alanine at codon 1569 is replaced by valine, an amino acid with similar properties. This variant was reported in individual(s) with features consistent with cardiomyopathy (Akinrinade O et al. J Cardiovasc Transl Res, 2023 Dec;16:1287-1302). This amino acid position is highly conserved in available vertebrate species. In addition, this alteration is predicted to be deleterious by in silico analysis. Based on the available evidence, the clinical significance of this variant remains unclear.

GeneDx
Classification: Uncertain significance. Last evaluated: 2021-05-24. Review status: criteria provided, single submitter. Criteria: GeneDx Variant Classification Process June 2021. Collection method: clinical testing. Allele origin: germline. Affected: yes.
Comment: Reported in one patient with unexplained limb-girdle weakness (Topf et al., 2020); however, detailed clinical information was not provided; Not observed at a significant frequency in large population cohorts (Lek et al., 2016); In silico analysis supports that this missense variant has a deleterious effect on protein structure/function; This variant is associated with the following publications: (PMID: 32528171)

Revvity Omics, Revvity
Classification: Uncertain significance. Last evaluated: 2019-07-09. Review status: criteria provided, single submitter. Criteria: ACMG Guidelines, 2015. Collection method: clinical testing. Allele origin: germline.

Literature cited by the submitters: PubMed 37477868 (cited by Ambry Genetics).

NM_001458.5(FLNC):c.4706C>T (p.Ala1569Val)

Gene: FLNC (filamin C; plus strand). Cytogenetic location: 7q32.1.
Variant type: single nucleotide variant.
Coding change: c.4706C>T on transcript NM_001458.5 (MANE Select); coding-DNA position 4706, C replaced by T.
Protein change: p.Ala1569Val; replaces alanine 1569 with valine.
Molecular consequence: missense variant.
Genome position (GRCh38, 1-based): chr7:128,848,686, C>T. VCF-style: chr7-128848686-C-T. GRCh37 (hg19) VCF-style: chr7-128488740-C-T.
Other names: c.4706C>T, p.Ala1569Val (NM_001127487.2); short protein forms A1569V.
Identifiers: ClinVar variation 1208732 (VCV001208732.7), dbSNP rs1407018839, ClinGen allele CA369202774.